The following is an entry in ClinVar:

ClinVar aggregate classification (germline): Likely benign. Review status: criteria provided, multiple submitters, no conflicts (2 of 4 stars). 3 submissions from 3 submitters: Likely benign (2). 1 of the submissions does not count toward it. Last evaluated 2025-11-11.

Conditions:
COL1A2-related disorder. Also called: COL1A2-related condition; COL1A2-Related Disorders.
Ehlers-Danlos syndrome, classic type, 1 (EDSCL1). Also called: EDS I; Ehlers-Danlos syndrome, type 1; EHLERS-DANLOS SYNDROME, GRAVIS TYPE; EHLERS-DANLOS SYNDROME, SEVERE CLASSIC TYPE; Ehlers-Danlos Syndrome, Classic Type, COL5A1-Related. Identifiers: MedGen C0268335, MONDO:0019567, OMIM 130000.
Osteogenesis imperfecta type I (OI1). Also called: Osteogenesis imperfecta type 1; Lobstein's Disease; OI, TYPE I; OSTEOGENESIS IMPERFECTA TARDA; OSTEOGENESIS IMPERFECTA WITH BLUE SCLERAE; Lobstein disease. Identifiers: Orphanet 216796, Orphanet 666, MedGen C0023931, MONDO:0008146, OMIM 166200. Disease mechanism: loss of function.
Cardiovascular phenotype. Identifiers: MedGen CN230736.

Allele frequency attached by ClinVar (database versions not stated): ESP Exome Variant Server 0.00023; 1000 Genomes Project 30x 0.00016; 1000 Genomes Project 0.00020.
gnomAD v4.1: 28 of 1,613,946 alleles (0.0017%); highest among the groups gnomAD compares: African/African-American, 0.033%; no homozygotes.

Submissions (3):

Labcorp Genetics (formerly Invitae), Labcorp
Classification: Likely benign for Osteogenesis imperfecta type I; Ehlers-Danlos syndrome, classic type, 1. Last evaluated: 2025-11-11. Review status: criteria provided, single submitter. Criteria: Invitae Variant Classification Sherloc (09022015). Collection method: clinical testing. Allele origin: germline.

Ambry Genetics
Classification: Likely benign for Cardiovascular phenotype. Last evaluated: 2019-06-01. Review status: criteria provided, single submitter. Criteria: Ambry Variant Classification Scheme 2023. Collection method: clinical testing. Allele origin: germline.

PreventionGenetics, part of Exact Sciences
Classification: Likely benign for COL1A2-related condition. Last evaluated: 2022-12-09. Review status: no assertion criteria provided. Collection method: clinical testing. Allele origin: germline. Not counted in ClinVar's aggregate classification.
Comment: This variant is classified as likely benign based on ACMG/AMP sequence variant interpretation guidelines (Richards et al. 2015 PMID: 25741868, with internal and published modifications).

NM_000089.4(COL1A2):c.576C>G (p.Pro192=)

Gene: COL1A2 (collagen type I alpha 2 chain; plus strand). Cytogenetic location: 7q21.3.
Variant type: single nucleotide variant.
Coding change: c.576C>G on transcript NM_000089.4 (MANE Select); coding-DNA position 576, C replaced by G.
Protein change: p.Pro192=; no amino-acid change (proline 192 retained).
Molecular consequence: synonymous variant.
Genome position (GRCh38, 1-based): chr7:94,406,285, C>G. VCF-style: chr7-94406285-C-G. GRCh37 (hg19) VCF-style: chr7-94035597-C-G.
Identifiers: ClinVar variation 1579459 (VCV001579459.12), dbSNP rs140656978, ClinGen allele CA4346715.